The following is an entry in ClinVar:

NM_005263.5(GFI1):c.820G>A (p.Val274Met)

Gene: GFI1 (growth factor independent 1 transcriptional repressor; minus strand). Cytogenetic location: 1p22.1.
Variant type: single nucleotide variant.
Coding change: c.820G>A on transcript NM_005263.5 (MANE Select); coding-DNA position 820, G replaced by A.
Protein change: p.Val274Met; replaces valine 274 with methionine.
Molecular consequence: missense variant.
Genome position (GRCh38, 1-based): chr1:92,480,452, C>T on the plus strand (G>A on the coding strand, the complement: GFI1 is on the minus strand). VCF-style: chr1-92480452-C-T. GRCh37 (hg19) VCF-style: chr1-92946009-C-T.
Other names: c.820G>A, p.Val274Met (NM_001127215.3, NM_001127216.3); short protein forms V274M.
Identifiers: ClinVar variation 4263206 (VCV004263206.1).

ClinVar aggregate classification (germline): Uncertain significance (1 of 4 stars; one submission).

gnomAD v4.1: 1 of 1,550,352 alleles (0.000065%); highest among the groups gnomAD compares: Non-Finnish European, 0.000087%; no homozygotes.

Submission:

Ambry Genetics
Classification: Uncertain significance. Last evaluated: 2025-07-18. Review status: criteria provided, single submitter. Criteria: Ambry Variant Classification Scheme 2023. Collection method: clinical testing. Allele origin: germline.
Comment: The p.V274M variant (also known as c.820G>A), located in coding exon 4 of the GFI1 gene, results from a G to A substitution at nucleotide position 820. The valine at codon 274 is replaced by methionine, an amino acid with highly similar properties. This amino acid position is conserved. In addition, this alteration is predicted to be tolerated by in silico analysis. Based on the available evidence, the clinical significance of this variant remains unclear.